The following is an entry in ClinVar:

ClinVar aggregate classification (germline): Conflicting classifications of pathogenicity. Review status: criteria provided, conflicting classifications (1 of 4 stars). 4 submissions from 4 submitters: Uncertain significance (3); Likely benign (1). Last evaluated 2025-08-18.

Conditions:
Hereditary cancer-predisposing syndrome. Also called: Neoplastic Syndromes, Hereditary; Tumor predisposition; Hereditary Cancer Syndrome; Hereditary neoplastic syndrome. Identifiers: Orphanet 140162, MedGen C0027672, MeSH D009386, MONDO:0015356.
Intellectual disability, autosomal dominant 16 (CSS4). Also called: COFFIN-SIRIS SYNDROME 4. Identifiers: Orphanet 1465, MedGen C3553249, MONDO:0013821, OMIM 614609.
Rhabdoid tumor predisposition syndrome 2 (RTPS2). Identifiers: Orphanet 231108, Orphanet 69077, MedGen C2750074, MONDO:0013224, OMIM 613325.

Allele frequency attached by ClinVar (database versions not stated): TOPMed below 0.00001; gnomAD 0.00001; gnomAD exomes 0.00001 and 0.00003; ExAC 0.00004.
gnomAD v4.1: 16 of 1,606,214 alleles (0.001%); highest among the groups gnomAD compares: Non-Finnish European, 0.00051%; no homozygotes.

Submissions (4):

Labcorp Genetics (formerly Invitae), Labcorp
Classification: Uncertain significance for Rhabdoid tumor predisposition syndrome 2. Last evaluated: 2025-08-18. Review status: criteria provided, single submitter. Criteria: Invitae Variant Classification Sherloc (09022015). Collection method: clinical testing. Allele origin: germline.
Comment: This sequence change replaces glutamine, which is neutral and polar, with arginine, which is basic and polar, at codon 338 of the SMARCA4 protein (p.Gln338Arg). This variant is present in population databases (rs757896781, gnomAD 0.03%). This variant has not been reported in the literature in individuals affected with SMARCA4-related conditions. ClinVar contains an entry for this variant (Variation ID: 408692). Invitae Evidence Modeling of protein sequence and biophysical properties (such as structural, functional, and spatial information, amino acid conservation, physicochemical variation, residue mobility, and thermodynamic stability) indicates that this missense variant is not expected to disrupt SMARCA4 protein function with a negative predictive value of 95%. In summary, the available evidence is currently insufficient to determine the role of this variant in disease. Therefore, it has been classified as a Variant of Uncertain Significance.

Blueprint Genetics
Classification: Uncertain significance. Last evaluated: 2024-02-27. Review status: criteria provided, single submitter. Criteria: ACMG Guidelines, 2015. Collection method: clinical testing. Allele origin: germline.

Ambry Genetics
Classification: Likely benign for Hereditary cancer-predisposing syndrome. Last evaluated: 2022-01-27. Review status: criteria provided, single submitter. Criteria: Ambry Variant Classification Scheme 2023. Collection method: clinical testing. Allele origin: germline.

Genome-Nilou Lab
Classification: Uncertain significance for Intellectual disability, autosomal dominant 16. Last evaluated: 2021-07-15. Review status: criteria provided, single submitter. Criteria: ACMG Guidelines, 2015. Collection method: clinical testing. Allele origin: germline. Affected: no.

NM_003072.5(SMARCA4):c.1013A>G (p.Gln338Arg)

Gene: SMARCA4 (SWI/SNF related BAF chromatin remodeling complex subunit ATPase 4; plus strand). Cytogenetic location: 19p13.2.
Variant type: single nucleotide variant.
Coding change: c.1013A>G on transcript NM_003072.5 (MANE Select); coding-DNA position 1013, A replaced by G.
Protein change: p.Gln338Arg; replaces glutamine 338 with arginine.
Molecular consequence: missense variant. On other transcripts: non-coding transcript variant (1).
Genome position (GRCh38, 1-based): chr19:10,987,819, A>G. VCF-style: chr19-10987819-A-G. GRCh37 (hg19) VCF-style: chr19-11098495-A-G.
Other names: c.1013A>G, p.Gln338Arg (NM_001128844.3, NM_001128845.2, NM_001128846.2 and 5 more transcripts); short protein forms Q338R.
Identifiers: ClinVar variation 408692 (VCV000408692.17), dbSNP rs757896781, ClinGen allele CA9203655.
Genomic context (GRCh38, chr19:10,987,819, plus strand): 5'-TCCCACCCGCCGCCTCGCCCGTGATGCCACCGCAGACCCAGTCCCCCGGGCAGCCGGCCC[A>G]GCCCGCGCCCATGGTGCCACTGCACCAGAAGCAGAGCCGCATCACCCCCATCCAGAAGCC-3'
Protein context (NP_003063.2, residues 328-348): PQTQSPGQPA[Gln338Arg]PAPMVPLHQK